The following is an entry in ClinVar:

ClinVar aggregate classification (germline): Benign/Likely benign. Review status: criteria provided, multiple submitters, no conflicts (2 of 4 stars). 21 submissions from 21 submitters: Benign (11); Likely benign (3). 7 of the submissions do not count toward it. Last evaluated 2026-02-04.

Conditions:
DMD-related disorder. Also called: DMD-related condition.
Duchenne muscular dystrophy (DMD). Also called: MUSCULAR DYSTROPHY, PSEUDOHYPERTROPHIC PROGRESSIVE, DUCHENNE TYPE; Duchenne Muscular Dystrophy (DMD). Identifiers: Orphanet 98896, MedGen C0013264, MONDO:0010679, OMIM 310200.
Becker muscular dystrophy (BMD). Also called: MUSCULAR DYSTROPHY, PSEUDOHYPERTROPHIC PROGRESSIVE, BECKER TYPE; Becker Muscular Dystrophy (BMD). Identifiers: Orphanet 98895, MedGen C0917713, MONDO:0010311, OMIM 300376.
Dystrophin deficiency.
Cardiomyopathy (CMYO). Also called: Cardiomyopathies. Identifiers: Orphanet 167848, MedGen C0878544, MONDO:0004994, HP:0001638. Inheritance: Various modes of inheritance.
Dilated cardiomyopathy 3B (CMD3B). Also called: CMD3B: DMD-Related Dilated Cardiomyopathy; CARDIOMYOPATHY, DILATED, X-LINKED; DMD-Associated Dilated Cardiomyopathy. Identifiers: Orphanet 154, MedGen C3668940, MONDO:0010542, OMIM 302045.
Cardiovascular phenotype. Identifiers: MedGen CN230736.

Allele frequency attached by ClinVar (database versions not stated): 1000 Genomes Project 0.01483; 1000 Genomes Project 30x 0.01540; TOPMed 0.01932; gnomAD 0.02191 and 0.02216; gnomAD exomes 0.02556 and 0.02895; ExAC 0.02629.
gnomAD v4.1: 34,155 of 1,209,039 alleles (2.8%); highest among the groups gnomAD compares: Middle Eastern, 4.1%; 345 homozygotes.

Submissions (21):

Labcorp Genetics (formerly Invitae), Labcorp
Classification: Benign for Duchenne muscular dystrophy. Last evaluated: 2026-02-04. Review status: criteria provided, single submitter. Criteria: Invitae Variant Classification Sherloc (09022015). Collection method: clinical testing. Allele origin: germline.

Athena Diagnostics
Classification: Benign. Last evaluated: 2025-08-18. Review status: criteria provided, single submitter. Criteria: Athena Diagnostics Criteria. Collection method: clinical testing. Allele origin: unknown.
Comment: The frequency of this variant in the general population is higher than would generally be expected for pathogenic variants in this gene. Computational tools predict this amino acid change may be benign. This variant has been seen where an alternate explanation for disease was also identified.

ARUP Laboratories, Molecular Genetics and Genomics, ARUP Laboratories
Classification: Benign. Last evaluated: 2025-06-23. Review status: criteria provided, single submitter. Criteria: ARUP Molecular Germline Variant Investigation Process 2024. Collection method: clinical testing. Allele origin: germline.

Molecular Diagnostic Laboratory for Inherited Cardiovascular Disease, Montreal Heart Institute
Classification: Likely benign. Last evaluated: 2025-04-09. Review status: criteria provided, single submitter. Criteria: ACMG Guidelines, 2015. Collection method: clinical testing. Allele origin: germline. Affected: no.

Blueprint Genetics
Classification: Benign. Last evaluated: 2024-11-28. Review status: criteria provided, single submitter. Criteria: ACMG Guidelines, 2015. Collection method: clinical testing. Allele origin: germline.

Mayo Clinic Laboratories, Mayo Clinic
Classification: Benign. Last evaluated: 2023-05-24. Review status: criteria provided, single submitter. Criteria: ACMG Guidelines, 2015. Collection method: clinical testing. Allele origin: germline. Observed: 74 variant alleles.
Comment: BA1

Genome-Nilou Lab
Classification: Likely benign for Duchenne muscular dystrophy. Last evaluated: 2021-05-18. Review status: criteria provided, single submitter. Criteria: ACMG Guidelines, 2015. Collection method: clinical testing. Allele origin: germline. Affected: no.

Women's Health and Genetics/Laboratory Corporation of America, LabCorp
Classification: Benign. Last evaluated: 2019-02-18. Review status: criteria provided, single submitter. Criteria: LabCorp Variant Classification Summary - May 2015. Collection method: clinical testing. Allele origin: germline.
Comment: Variant summary: DMD c.8762A>G (p.His2921Arg) results in a non-conservative amino acid change located in a spectrin repeat (IPR018159) of the encoded protein sequence. Three of five in-silico tools predict a benign effect of the variant on protein function. The variant allele was found at a frequency of 0.026 in 200041 control chromosomes in the gnomAD database, including 42 homozygotes and 1923 hemizygotes. These data strongly suggest that the variant is benign. Six ClinVar submissions from clinical diagnostic laboratories (evaluation after 2014) cite the variant as benign (5x) and once as likely benign. Based on the evidence outlined above, the variant was classified as benign.

Illumina Laboratory Services, Illumina
Classification: Benign for Dilated cardiomyopathy 3B. Last evaluated: 2018-01-13. Review status: criteria provided, single submitter. Criteria: ICSL Variant Classification Criteria 13 December 2019. Collection method: clinical testing. Allele origin: germline.
Comment: This variant was observed in the ICSL laboratory as part of a predisposition screen in an ostensibly healthy population. It had not been previously curated by ICSL or reported in the Human Gene Mutation Database (HGMD: prior to June 1st, 2018), and was therefore a candidate for classification through an automated scoring system. Utilizing variant allele frequency, disease prevalence and penetrance estimates, and inheritance mode, an automated score was calculated to assess if this variant is too frequent to cause the disease. Based on the score and internal cut-off values, a variant classified as benign is not then subjected to further curation. The score for this variant resulted in a classification of benign for this disease.

Ambry Genetics
Classification: Benign for Cardiovascular phenotype. Last evaluated: 2015-09-23. Review status: criteria provided, single submitter. Criteria: Ambry Variant Classification Scheme 2023. Collection method: clinical testing. Allele origin: germline.

Eurofins Ntd Llc (ga)
Classification: Benign. Last evaluated: 2015-03-10. Review status: criteria provided, single submitter. Criteria: EGL Classification Definitions 2015. Collection method: clinical testing. Allele origin: germline. Observed: 26 variant alleles, 16 heterozygotes, 1 homozygote, 9 hemizygotes.

Laboratory for Molecular Medicine, Mass General Brigham Personalized Medicine
Classification: Benign. Last evaluated: 2015-01-13. Review status: criteria provided, single submitter. Criteria: LMM Criteria. Collection method: clinical testing. Allele origin: germline. Observed: 23 variant alleles.
Comment: p.His2921Arg in exon 59 of DMD: This variant is not expected to have clinical si gnificance because it has been identified in 3% (200/6728) of European American chromosomes by the NHLBI Exome Sequencing Project (EVS/; dbSNP rs1800279).

GeneDx
Classification: Benign. Last evaluated: 2014-03-10. Review status: criteria provided, single submitter. Criteria: GeneDx Variant Classification (06012015). Collection method: clinical testing. Allele origin: germline. Affected: yes.
Comment: This variant is considered likely benign or benign based on one or more of the following criteria: it is a conservative change, it occurs at a poorly conserved position in the protein, it is predicted to be benign by multiple in silico algorithms, and/or has population frequency not consistent with disease.

Breakthrough Genomics
Classification: Likely benign. Review status: criteria provided, single submitter. Criteria: ACMG Guidelines, 2015. Collection method: not provided. Allele origin: germline. Inheritance: X-linked inheritance. Affected: yes.

PreventionGenetics, part of Exact Sciences
Classification: Benign for DMD-related condition. Last evaluated: 2019-05-09. Review status: no assertion criteria provided. Collection method: clinical testing. Allele origin: germline. Not counted in ClinVar's aggregate classification.
Comment: This variant is classified as benign based on ACMG/AMP sequence variant interpretation guidelines (Richards et al. 2015 PMID: 25741868, with internal and published modifications).

Natera, Inc.
Classification: Likely benign for Becker muscular dystrophy; Cardiomyopathy; Duchenne muscular dystrophy; Dystrophin deficiency. Last evaluated: 2017-03-28. Review status: no assertion criteria provided. Collection method: clinical testing. Allele origin: germline. Not counted in ClinVar's aggregate classification.

OMIM
Classification: Uncertain significance for RECLASSIFIED - VARIANT OF UNKNOWN SIGNIFICANCE. Last evaluated: 1994-09-01. Review status: no assertion criteria provided. Collection method: literature only. Allele origin: germline. Not counted in ClinVar's aggregate classification.

Clinical Genetics, Academic Medical Center
Classification: Benign. Review status: no assertion criteria provided. Collection method: clinical testing. Allele origin: germline. Affected: yes. Study: VKGL Data-share Consensus. Not counted in ClinVar's aggregate classification.

Diagnostic Laboratory, Department of Genetics, University Medical Center Groningen
Classification: Likely benign. Review status: no assertion criteria provided. Collection method: clinical testing. Allele origin: germline. Affected: yes. Study: VKGL Data-share Consensus. Not counted in ClinVar's aggregate classification.

Genome Diagnostics Laboratory, University Medical Center Utrecht
Classification: Benign. Review status: no assertion criteria provided. Collection method: clinical testing. Allele origin: germline. Affected: yes. Study: VKGL Data-share Consensus. Not counted in ClinVar's aggregate classification.

Laboratory of Diagnostic Genome Analysis, Leiden University Medical Center (LUMC)
Classification: Benign. Review status: no assertion criteria provided. Collection method: clinical testing. Allele origin: germline. Affected: yes. Study: VKGL Data-share Consensus. Not counted in ClinVar's aggregate classification.

Literature cited by the submitters: PubMed 19937601 (cited by Athena Diagnostics); PubMed 27708273 (cited by Athena Diagnostics); PubMed 25333069 (cited by Athena Diagnostics); PubMed 19409785 (cited by Athena Diagnostics); PubMed 25256590 (cited by Athena Diagnostics); PubMed 27178005 (cited by Athena Diagnostics); PubMed 14695533 (cited by Athena Diagnostics); Hamosh, A. Personal Communication. 2018. Baltimore, Md. (cited by OMIM); PubMed 7881286 (cited by OMIM).

NM_004006.3(DMD):c.8762A>G (p.His2921Arg)

Gene: DMD (dystrophin; minus strand). Cytogenetic location: Xp21.2.
Variant type: single nucleotide variant.
Coding change: c.8762A>G on transcript NM_004006.3 (MANE Select); coding-DNA position 8762, A replaced by G.
Protein change: p.His2921Arg; replaces histidine 2921 with arginine.
Molecular consequence: missense variant.
Genome position (GRCh38, 1-based): chrX:31,478,281, T>C on the plus strand (A>G on the coding strand, the complement: DMD is on the minus strand). VCF-style: chrX-31478281-T-C. GRCh37 (hg19) VCF-style: chrX-31496398-T-C.
Other names: p.H2921R:CAC>CGC; c.8738A>G, p.His2913Arg (NM_000109.4); c.8750A>G, p.His2917Arg (NM_004009.3); c.8393A>G, p.His2798Arg (NM_004010.3); c.4739A>G, p.His1580Arg (NM_004011.4); c.4730A>G, p.His1577Arg (NM_004012.4); c.1382A>G, p.His461Arg (NM_004013.3, NM_004020.4, NM_004021.3 and 2 more transcripts); c.575A>G, p.His192Arg (NM_004014.3); short protein forms H2921R, H192R, H2798R, H1580R, H461R, H2913R, H2917R, H1577R.
Identifiers: ClinVar variation 11269 (VCV000011269.55), dbSNP rs1800279, ClinGen allele CA255764.